The following is an entry in ClinVar:

NM_013275.6(ANKRD11):c.6836_6837del (p.Val2279fs)

Gene: ANKRD11 (ankyrin repeat domain 11; minus strand). Cytogenetic location: 16q24.3.
Variant type: Microsatellite.
Coding change: c.6836_6837del on transcript NM_013275.6 (MANE Select); coding-DNA positions 6836 to 6837, 2 bases deleted (TG; older notation c.6836_6837delTG).
Protein change: p.Val2279fs; shifts the reading frame from valine 2279.
Molecular consequence: frameshift variant.
Genome position (GRCh38, 1-based): chr16:89,279,705-89,279,706, CA deleted on the plus strand (TG on the coding strand, the reverse complement: ANKRD11 is on the minus strand); deleting any 2 consecutive bases within chr16:89,279,705-89,279,708 gives the same sequence; the c. name uses the placement nearest the transcript's 3' end. VCF-style (leftmost placement, unchanged base first): chr16-89279704-CCA-C. GRCh37 (hg19) VCF-style: chr16-89346112-CCA-C.
Other names: NP_037407.4:p.(Val2279GlyfsTer16); c.6836_6837delTG (NM_013275.5, NM_001256182.2); c.6836_6837del (NM_013275.4); c.6836_6837del, p.Val2279fs (NM_001256182.2, NM_001256183.2); short protein forms V2279fs.
Identifiers: ClinVar variation 503853 (VCV000503853.55), dbSNP rs1555525296, ClinGen allele CA658798655.

ClinVar aggregate classification (germline): Pathogenic/Likely pathogenic. Review status: criteria provided, multiple submitters, no conflicts (2 of 4 stars). 12 submissions from 12 submitters: Pathogenic (9); Likely pathogenic (1). 2 of the submissions do not count toward it. Last evaluated 2026-08-18.

Conditions:
ANKRD11-related disorder. Also called: ANKRD11-related condition.
KBG syndrome (KBGS). Also called: ANKRD11-Related KBG Syndrome. Identifiers: Orphanet 2332, MedGen C0220687, MONDO:0007846, OMIM 148050.

Submissions (12):

Medical Genetics Center, Maternal and Child Health Hospital of Hubei Province
Classification: Pathogenic for KBG syndrome. Last evaluated: 2026-08-18. Review status: criteria provided, single submitter. Criteria: ACMG Guidelines, 2015. Collection method: clinical testing. Allele origin: de novo. Affected: yes.
Comment: PVS1+PS2_VeryStrong+PM2_Supporting

Umrani?ye Training and Research Hospital
Classification: Pathogenic for KBG syndrome. Last evaluated: 2026-07-05. Review status: criteria provided, single submitter. Criteria: ACMG Guidelines, 2015. Collection method: clinical testing. Allele origin: germline. Inheritance: Autosomal dominant inheritance. Affected: yes.
Comment: PVS1, PM2

Labcorp Genetics (formerly Invitae), Labcorp
Classification: Pathogenic for KBG syndrome. Last evaluated: 2025-10-23. Review status: criteria provided, single submitter. Criteria: Invitae Variant Classification Sherloc (09022015). Collection method: clinical testing. Allele origin: germline.
Comment: This sequence change creates a premature translational stop signal (p.Val2279Glyfs*16) in the ANKRD11 gene. It is expected to result in an absent or disrupted protein product. Loss-of-function variants in ANKRD11 are known to be pathogenic (PMID: 21782149, 25125236, 25413698, 25652421). This variant is not present in population databases (gnomAD no frequency). This variant has not been reported in the literature in individuals affected with ANKRD11-related conditions. ClinVar contains an entry for this variant (Variation ID: 503853). For these reasons, this variant has been classified as Pathogenic.

Dasa
Classification: Pathogenic. Last evaluated: 2025-09-18. Review status: criteria provided, single submitter. Criteria: DASA Assertion Criteria. Collection method: clinical testing. Allele origin: germline.
Comment: NM_013275.6(ANKRD11):c.6836_6837del (p.Val2279Glyfs*16) is a frameshift variant in ANKRD11 predicted to alter the reading frame and introduce a premature termination codon and is predicted to result in an absent or altered protein product. Loss of function is an established disease mechanism for ANKRD11 (PMID: 21782149; PMID: 35330407; PMID: 28422132). This variant has been recurrently observed in individuals with ANKRD11-related disorders (PMID: 35682590; PMID: 37586838). This variant has been reported as a de novo occurrence in an affected individual (PMID: 35682590; PMID: 37586838). Also, this variant is rare in population databases. Based on the currently available evidence, this variant is classified as pathogenic.

CeGaT Center for Human Genetics Tuebingen
Classification: Pathogenic. Last evaluated: 2025-02-01. Review status: criteria provided, single submitter. Criteria: CeGaT Center For Human Genetics Tuebingen Variant Classification Criteria Version 2. Collection method: clinical testing. Allele origin: germline. Affected: yes. Observed: 2 variant alleles.
Comment: ANKRD11: PVS1, PM6:Strong, PM2, PS4:Moderate

GeneDx
Classification: Pathogenic. Last evaluated: 2023-06-06. Review status: criteria provided, single submitter. Criteria: GeneDx Variant Classification Process June 2021. Collection method: clinical testing. Allele origin: germline. Affected: yes.
Comment: Frameshift variant predicted to result in protein truncation or nonsense mediated decay in a gene for which loss-of-function is a known mechanism of disease; Not observed in large population cohorts (gnomAD); This variant is associated with the following publications: (PMID: 34704418, 35682590)

3billion
Classification: Pathogenic for KBG syndrome. Last evaluated: 2022-05-22. Review status: criteria provided, single submitter. Criteria: ACMG Guidelines, 2015. Collection method: clinical testing. Allele origin: germline. Affected: yes. Observed: 1 heterozygote.
Comment: The variant is not observed in the gnomAD v2.1.1 dataset. Frameshift: predicted to result in a loss or disruption of normal protein function through nonsense-mediated decay (NMD) or protein truncation. Multiple pathogenic variants are reported downstream of the variant. The variant has been reported at least twice as pathogenic without evidence for the classification (ClinVar ID: VCV000503853). Therefore, this variant is classified as pathogenic according to the recommendation of ACMG/AMP guideline.

Medical Cytogenetics and Molecular Genetics Laboratory, IRCCS Istituto Auxologico Italiano
Classification: Pathogenic for KBG syndrome. Last evaluated: 2021-11-01. Review status: criteria provided, single submitter. Criteria: ACMG Guidelines, 2015. Collection method: research. Allele origin: de novo. Affected: yes. Observed: 1 variant allele.

Blueprint Genetics
Classification: Likely pathogenic for ANKRD11-related disorders. Last evaluated: 2021-02-10. Review status: criteria provided, single submitter. Criteria: ACMG Guidelines, 2015. Collection method: clinical testing. Allele origin: germline. Affected: yes. Observed: 1 variant allele.

Solve-RD Consortium
Classification: Pathogenic for KBG syndrome. Review status: criteria provided, single submitter. Criteria: ACMG Guidelines, 2015. Collection method: provider interpretation. Allele origin: germline. Inheritance: Autosomal dominant inheritance. Affected: yes. Study: Solve-RD DIFT-EpiCARE reanalysis.
Comment: PVS1, PM2, PS2

Variant identified during reanalysis of unsolved cases by the Solve-RD project. The Solve-RD project has received funding from the European Union’s Horizon 2020 research and innovation programme under grant agreement No 779257.

Autoinflammatory diseases unit, CHU de Montpellier
Classification: Pathogenic for KBG syndrome. Last evaluated: 2024-06-24. Review status: no assertion criteria provided. Collection method: clinical testing. Allele origin: de novo. Affected: yes. Not counted in ClinVar's aggregate classification.

The Purple Gene Clinic, Mumbai
Classification: Likely pathogenic for KBG syndrome. Last evaluated: 2024-05-29. Review status: no assertion criteria provided. Collection method: clinical testing. Allele origin: de novo. Inheritance: Autosomal dominant inheritance. Affected: yes. Observed: 1 heterozygote. Not counted in ClinVar's aggregate classification.
Comment: This sequence change creates a frameshift, resulting in premature truncation of the ANKRD11 protein. This variant is absent in the gnomAD database and has not been reported in the literature in individuals with ANKRD11-related conditions. Loss-of-function variants in ANKRD11 are known to be pathogenic (PMID: 38515699, 37800809, 37226940). For these reasons, this variant has been classified as likely pathogenic.

Literature cited by the submitters: PubMed 35174959 (cited by Medical Genetics Center, Maternal and Child Health Hospital of Hubei Province); PubMed 33955014 (cited by Medical Genetics Center, Maternal and Child Health Hospital of Hubei Province); PubMed 25413698 (cited by Medical Genetics Center, Maternal and Child Health Hospital of Hubei Province and Labcorp Genetics (formerly Invitae), Labcorp); PubMed 21782149 (cited by 3 submitters); PubMed 34704418 (cited by Medical Genetics Center, Maternal and Child Health Hospital of Hubei Province); PubMed 35682590 (cited by Medical Genetics Center, Maternal and Child Health Hospital of Hubei Province and Dasa); PubMed 35861666 (cited by Medical Genetics Center, Maternal and Child Health Hospital of Hubei Province); PubMed 37586838 (cited by Medical Genetics Center, Maternal and Child Health Hospital of Hubei Province and Dasa); PubMed 38157719 (cited by Medical Genetics Center, Maternal and Child Health Hospital of Hubei Province); PubMed 39404460 (cited by Medical Genetics Center, Maternal and Child Health Hospital of Hubei Province); PubMed 42808190 (cited by Umrani?ye Training and Research Hospital); PubMed 25125236 (cited by Labcorp Genetics (formerly Invitae), Labcorp); PubMed 25652421 (cited by Labcorp Genetics (formerly Invitae), Labcorp); PubMed 35330407 (cited by Dasa); PubMed 28422132 (cited by Dasa).